The following is an entry in ClinVar:

ClinVar aggregate classification (germline): Uncertain significance (1 of 4 stars; one submission).

gnomAD v4.1: 1 of 1,613,434 alleles (0.000062%); highest among the groups gnomAD compares: South Asian, 0.0011%; no homozygotes.

Submission:

Labcorp Genetics (formerly Invitae), Labcorp
Classification: Uncertain significance. Last evaluated: 2024-03-15. Review status: criteria provided, single submitter. Criteria: Invitae Variant Classification Sherloc (09022015). Collection method: clinical testing. Allele origin: germline.
Comment: This sequence change replaces threonine, which is neutral and polar, with serine, which is neutral and polar, at codon 148 of the TRRAP protein (p.Thr148Ser). This variant is present in population databases (rs782664293, gnomAD 0.003%). This variant has not been reported in the literature in individuals affected with TRRAP-related conditions. Advanced modeling of protein sequence and biophysical properties (such as structural, functional, and spatial information, amino acid conservation, physicochemical variation, residue mobility, and thermodynamic stability) performed at Invitae indicates that this missense variant is not expected to disrupt TRRAP protein function with a negative predictive value of 80%. In summary, the available evidence is currently insufficient to determine the role of this variant in disease. Therefore, it has been classified as a Variant of Uncertain Significance.

NM_001375524.1(TRRAP):c.442A>T (p.Thr148Ser)

Gene: TRRAP (transformation/transcription domain associated protein; plus strand). Cytogenetic location: 7q22.1.
Variant type: single nucleotide variant.
Coding change: c.442A>T on transcript NM_001375524.1 (MANE Select); coding-DNA position 442, A replaced by T.
Protein change: p.Thr148Ser; replaces threonine 148 with serine.
Molecular consequence: missense variant.
Genome position (GRCh38, 1-based): chr7:98,893,873, A>T. VCF-style: chr7-98893873-A-T. GRCh37 (hg19) VCF-style: chr7-98491496-A-T.
Other names: c.442A>T, p.Thr148Ser (NM_001244580.2, NM_003496.4); short protein forms T148S.
Identifiers: ClinVar variation 3708932 (VCV003708932.2).